The following is an entry in ClinVar:

ClinVar aggregate classification (germline): Uncertain significance (1 of 4 stars; one submission).

Conditions:
Epidermolysis bullosa simplex with nail dystrophy (EBS5D). Identifiers: MedGen C4225309, MONDO:0014661, OMIM 616487.
Autosomal recessive limb-girdle muscular dystrophy type 2Q (LGMDR17). Also called: MUSCULAR DYSTROPHY, LIMB-GIRDLE, AUTOSOMAL RECESSIVE 17. Identifiers: Orphanet 254361, MedGen C3150989, MONDO:0013390, OMIM 613723.
Epidermolysis bullosa simplex 5B, with muscular dystrophy (EBS5B). Also called: EPIDERMOLYSIS BULLOSA SIMPLEX AND LIMB-GIRDLE MUSCULAR DYSTROPHY; Epidermolysis bullosa simplex with muscular dystrophy. Identifiers: Orphanet 257, MedGen C2931072, MONDO:0009181, OMIM 226670.
Epidermolysis bullosa simplex, Ogna type (EBS5A). Also called: Pidermolysis bullosa simplex 5A, Ogna type; EPIDERMOLYSIS BULLOSA SIMPLEX 5A, OGNA TYPE. Identifiers: Orphanet 79401, MedGen C0432317, MONDO:0007555, OMIM 131950.
Epidermolysis bullosa simplex 5C, with pyloric atresia (EBS5C). Also called: PLEC-Related Epidermolysis Bullosa with Pyloric Atresia; Epidermolysis bullosa simplex with pyloric atresia; PLEC1-Related Epidermolysis Bullosa with Pyloric Atresia. Identifiers: Orphanet 158684, MedGen C2677349, MONDO:0012807, OMIM 612138.

Submission:

Labcorp Genetics (formerly Invitae), Labcorp
Classification: Uncertain significance for Autosomal recessive limb-girdle muscular dystrophy type 2Q; Epidermolysis bullosa simplex, Ogna type; Epidermolysis bullosa simplex with nail dystrophy; Epidermolysis bullosa simplex 5C, with pyloric atresia; Epidermolysis bullosa simplex 5B, with muscular dystrophy. Last evaluated: 2022-07-14. Review status: criteria provided, single submitter. Criteria: Invitae Variant Classification Sherloc (09022015). Collection method: clinical testing. Allele origin: germline.
Comment: This sequence change replaces glutamic acid, which is acidic and polar, with aspartic acid, which is acidic and polar, at codon 2150 of the PLEC protein (p.Glu2150Asp). This variant is not present in population databases (gnomAD no frequency). This variant has not been reported in the literature in individuals affected with PLEC-related conditions. Algorithms developed to predict the effect of missense changes on protein structure and function (SIFT, PolyPhen-2, Align-GVGD) all suggest that this variant is likely to be tolerated. In summary, the available evidence is currently insufficient to determine the role of this variant in disease. Therefore, it has been classified as a Variant of Uncertain Significance.

NM_201384.3(PLEC):c.6369G>T (p.Glu2123Asp)

Gene: PLEC (plectin; minus strand). Cytogenetic location: 8q24.3.
Variant type: single nucleotide variant.
Coding change: c.6369G>T on transcript NM_201384.3 (MANE Select); coding-DNA position 6369, G replaced by T.
Protein change: p.Glu2123Asp; replaces glutamic acid 2123 with aspartic acid.
Molecular consequence: missense variant.
Genome position (GRCh38, 1-based): chr8:143,923,560, C>A on the plus strand (G>T on the coding strand, the complement: PLEC is on the minus strand). VCF-style: chr8-143923560-C-A. GRCh37 (hg19) VCF-style: chr8-144997728-C-A.
Other names: c.6450G>T, p.Glu2150Asp (NM_000445.5); c.6327G>T, p.Glu2109Asp (NM_201378.4); c.6303G>T, p.Glu2101Asp (NM_201379.3); c.6780G>T, p.Glu2260Asp (NM_201380.4); c.6273G>T, p.Glu2091Asp (NM_201381.3); c.6369G>T, p.Glu2123Asp (NM_201382.4); c.6381G>T, p.Glu2127Asp (NM_201383.3); short protein forms E2091D, E2123D, E2127D, E2150D, E2260D, E2109D, E2101D.
Identifiers: ClinVar variation 2132308 (VCV002132308.4), dbSNP rs1554693035, ClinGen allele CA372535075.